The following is an entry in ClinVar:

ClinVar aggregate classification (germline): Uncertain significance (1 of 4 stars; one submission).

Allele frequency attached by ClinVar (database versions not stated): ExAC 0.00001.

Submission:

GeneDx
Classification: Uncertain significance. Last evaluated: 2023-11-09. Review status: criteria provided, single submitter. Criteria: GeneDx Variant Classification Process June 2021. Collection method: clinical testing. Allele origin: germline. Affected: yes.
Comment: Has not been previously published as pathogenic or benign to our knowledge; In silico analysis supports that this missense variant does not alter protein structure/function; Not observed at significant frequency in large population cohorts (gnomAD)

NM_053025.4(MYLK):c.2570G>A (p.Gly857Glu)

Gene: MYLK (myosin light chain kinase; minus strand). Cytogenetic location: 3q21.1.
Variant type: single nucleotide variant.
Coding change: c.2570G>A on transcript NM_053025.4 (MANE Select); coding-DNA position 2570, G replaced by A.
Protein change: p.Gly857Glu; replaces glycine 857 with glutamic acid.
Molecular consequence: missense variant.
Genome position (GRCh38, 1-based): chr3:123,700,898, C>T on the plus strand (G>A on the coding strand, the complement: MYLK is on the minus strand). VCF-style: chr3-123700898-C-T. GRCh37 (hg19) VCF-style: chr3-123419745-C-T.
Other names: c.2042G>A, p.Gly681Glu (NM_001321309.2); c.2363G>A, p.Gly788Glu (NM_053026.4, NM_053028.4); c.2570G>A, p.Gly857Glu (NM_053027.4); short protein forms G681E, G788E, G857E.
Identifiers: ClinVar variation 2662944 (VCV002662944.1), dbSNP rs764449392, ClinGen allele CA068730.